The following is an entry in ClinVar:

ClinVar aggregate classification (germline): Uncertain significance (1 of 4 stars; one submission).

Conditions:
Hereditary cancer-predisposing syndrome. Also called: Neoplastic Syndromes, Hereditary; Tumor predisposition; Hereditary neoplastic syndrome; Hereditary Cancer Syndrome. Identifiers: Orphanet 140162, MedGen C0027672, MeSH D009386, MONDO:0015356.

Submission:

Ambry Genetics
Classification: Uncertain significance for Hereditary cancer-predisposing syndrome. Last evaluated: 2022-12-22. Review status: criteria provided, single submitter. Criteria: Ambry Variant Classification Scheme 2023. Collection method: clinical testing. Allele origin: germline.
Comment: The p.L1029I variant (also known as c.3085C>A), located in coding exon 15 of the APC gene, results from a C to A substitution at nucleotide position 3085. The leucine at codon 1029 is replaced by isoleucine, an amino acid with highly similar properties. This amino acid position is conserved. In addition, in silico predictors for this gene do not accurately predict pathogenicity. Since supporting evidence is limited at this time, the clinical significance of this alteration remains unclear.

NM_000038.6(APC):c.3085C>A (p.Leu1029Ile)

Gene: APC (APC regulator of Wnt signaling pathway; plus strand). Cytogenetic location: 5q22.2.
Variant type: single nucleotide variant.
Coding change: c.3085C>A on transcript NM_000038.6 (MANE Select); coding-DNA position 3085, C replaced by A.
Protein change: p.Leu1029Ile; replaces leucine 1029 with isoleucine.
Molecular consequence: missense variant. On other transcripts: non-coding transcript variant (2).
Genome position (GRCh38, 1-based): chr5:112,838,679, C>A. VCF-style: chr5-112838679-C-A. GRCh37 (hg19) VCF-style: chr5-112174376-C-A.
Other names: c.3085C>A, p.Leu1029Ile (NM_001127510.3, NM_001354895.2, NM_001407450.1); c.3031C>A, p.Leu1011Ile (NM_001127511.3); c.3139C>A, p.Leu1047Ile (NM_001354896.2, NM_001407447.1, NM_001407448.1 and 1 more transcripts); c.3115C>A, p.Leu1039Ile (NM_001354897.2); c.3010C>A, p.Leu1004Ile (NM_001354898.2); c.3001C>A, p.Leu1001Ile (NM_001354899.2); c.2962C>A, p.Leu988Ile (NM_001354900.2); c.2908C>A, p.Leu970Ile (NM_001354901.2, NM_001407453.1); and 11 more; short protein forms L1004I, L746I, L903I, L1019I, L1039I, L1047I, L928I, L1022I.
Identifiers: ClinVar variation 2452706 (VCV002452706.2), dbSNP rs2149884009, ClinGen allele CA16028088.
Genomic context (GRCh38, chr5:112,838,679, plus strand): 5'-CATAGTGCAAATCATATGGATGATAATGATGGAGAACTAGATACACCAATAAATTATAGT[C>A]TTAAATATTCAGATGAGCAGTTGAACTCTGGAAGGCAAAGTCCTTCACAGAATGAAAGAT-3'
Protein context (NP_000029.2, residues 1019-1039): GELDTPINYS[Leu1029Ile]KYSDEQLNSG